The following is an entry in ClinVar:

ClinVar aggregate classification (germline): Likely benign. Review status: criteria provided, multiple submitters, no conflicts (2 of 4 stars). 3 submissions from 3 submitters: Likely benign (3). Last evaluated 2025-03-19.

Conditions:
Inborn genetic diseases. Identifiers: MedGen C0950123, MeSH D030342.
Developmental and epileptic encephalopathy, 25 (DEE25). Also called: Epileptic encephalopathy, early infantile, 25; Developmental and epileptic encephalopathy 25, with amelogenesis imperfecta; Epileptic encephalopathy, early infantile, 25, with amelogenesis imperfecta. Identifiers: Orphanet 442835, MedGen C4014621, MONDO:0014392, OMIM 615905.
SLC13A5-related disorder. Also called: SLC13A5-related condition.

Allele frequency attached by ClinVar (database versions not stated): TOPMed below 0.00001; gnomAD 0.00001; ExAC 0.00003; gnomAD exomes 0.00004.
gnomAD v4.1: 28 of 1,613,918 alleles (0.0017%); highest among the groups gnomAD compares: East Asian, 0.06%; no homozygotes.

Submissions (3):

Labcorp Genetics (formerly Invitae), Labcorp
Classification: Likely benign for Developmental and epileptic encephalopathy, 25. Last evaluated: 2025-03-19. Review status: criteria provided, single submitter. Criteria: Invitae Variant Classification Sherloc (09022015). Collection method: clinical testing. Allele origin: germline.

PreventionGenetics, part of Exact Sciences
Classification: Likely benign for SLC13A5-related condition. Last evaluated: 2024-11-04. Review status: criteria provided, single submitter. Criteria: ACMG Guidelines, 2015. Collection method: clinical testing. Allele origin: germline.
Comment: This variant is classified as likely benign based on ACMG/AMP sequence variant interpretation guidelines (Richards et al. 2015 PMID: 25741868, with internal and published modifications).

Ambry Genetics
Classification: Likely benign for Inborn genetic diseases. Last evaluated: 2018-09-27. Review status: criteria provided, single submitter. Criteria: Ambry Variant Classification Scheme 2023. Collection method: clinical testing. Allele origin: germline.

NM_177550.5(SLC13A5):c.873C>T (p.Ser291=)

Gene: SLC13A5 (solute carrier family 13 member 5; minus strand). Cytogenetic location: 17p13.1.
Variant type: single nucleotide variant.
Coding change: c.873C>T on transcript NM_177550.5 (MANE Select); coding-DNA position 873, C replaced by T.
Protein change: p.Ser291=; no amino-acid change (serine 291 retained).
Molecular consequence: synonymous variant.
Genome position (GRCh38, 1-based): chr17:6,695,908, G>A on the plus strand (C>T on the coding strand, the complement: SLC13A5 is on the minus strand). VCF-style: chr17-6695908-G-A. GRCh37 (hg19) VCF-style: chr17-6599227-G-A.
Other names: c.873C>T, p.Ser291= (NM_001143838.3); c.822C>T, p.Ser274= (NM_001284509.2); c.744C>T, p.Ser248= (NM_001284510.2); c.873C>T (NM_177550.4).
Identifiers: ClinVar variation 999808 (VCV000999808.10), dbSNP rs767067775, ClinGen allele CA8331578.
Genomic context (GRCh38, chr17:6,695,908, plus strand): 5'-GGGCCCCAGCTTCCGGTACTCCTCCTGCAGCACCTTGAGGGCAGCCTTCTCGTTTTTCTT[G>A]CTCTCTAGCCCGCAGCCCCAGGACTTTTTAAAACTGGAGAATGCAAAGATGAGAGAAGGG-3'
Protein context (NP_808218.1, residues 281-301): FKKSWGCGLE[Ser291=]KKNEKAALKV